The following is an entry in ClinVar:

ClinVar aggregate classification (germline): Uncertain significance. Review status: criteria provided, multiple submitters, no conflicts (2 of 4 stars). 2 submissions from 2 submitters: Uncertain significance (2). Last evaluated 2021-10-27.

Conditions:
Propionic acidemia (PROP). Also called: KETOTIC HYPERGLYCINEMIA; GLYCINEMIA, KETOTIC; HYPERGLYCINEMIA WITH KETOACIDOSIS AND LEUKOPENIA. Identifiers: Orphanet 35, MedGen C0268579, MONDO:0011628, OMIM 606054, HP:0003571.

Allele frequency attached by ClinVar (database versions not stated): gnomAD exomes below 0.00001 and 0.00002.
gnomAD v4.1: 22 of 1,614,112 alleles (0.0014%); highest among the groups gnomAD compares: Non-Finnish European, 0.0019%; no homozygotes.

Submissions (2):

Labcorp Genetics (formerly Invitae), Labcorp
Classification: Uncertain significance for Propionic acidemia. Last evaluated: 2021-10-27. Review status: criteria provided, single submitter. Criteria: Invitae Variant Classification Sherloc (09022015). Collection method: clinical testing. Allele origin: germline.
Comment: This sequence change replaces tyrosine, which is neutral and polar, with histidine, which is basic and polar, at codon 380 of the PCCA protein (p.Tyr380His). This variant is present in population databases (no rsID available, gnomAD 0.0009%). This variant has not been reported in the literature in individuals affected with PCCA-related conditions. Advanced modeling of protein sequence and biophysical properties (such as structural, functional, and spatial information, amino acid conservation, physicochemical variation, residue mobility, and thermodynamic stability) performed at Invitae indicates that this missense variant is not expected to disrupt PCCA protein function. In summary, the available evidence is currently insufficient to determine the role of this variant in disease. Therefore, it has been classified as a Variant of Uncertain Significance.

Fulgent Genetics
Classification: Uncertain significance for Propionic acidemia. Last evaluated: 2021-10-01. Review status: criteria provided, single submitter. Criteria: ACMG Guidelines, 2015. Collection method: clinical testing. Allele origin: unknown.

NM_000282.4(PCCA):c.1138T>C (p.Tyr380His)

Gene: PCCA (propionyl-CoA carboxylase subunit alpha; plus strand). Cytogenetic location: 13q32.3.
Variant type: single nucleotide variant.
Coding change: c.1138T>C on transcript NM_000282.4 (MANE Select); coding-DNA position 1138, T replaced by C.
Protein change: p.Tyr380His; replaces tyrosine 380 with histidine.
Molecular consequence: missense variant. On other transcripts: non-coding transcript variant (5), intron variant (3).
Genome position (GRCh38, 1-based): chr13:100,301,532, T>C. VCF-style: chr13-100301532-T-C. GRCh37 (hg19) VCF-style: chr13-100953786-T-C.
Other names: c.1060T>C, p.Tyr354His (NM_001127692.3, NM_001352607.2); c.1138T>C, p.Tyr380His (NM_001178004.2, NM_001352605.2, NM_001352609.2); c.193T>C, p.Tyr65His (NM_001352610.2, NM_001352611.2); c.1066-1392T>C (NM_001352606.2); c.121-1392T>C (NM_001352612.2); c.988-1392T>C (NM_001352608.2); short protein forms Y380H, Y354H, Y65H.
Identifiers: ClinVar variation 1419339 (VCV001419339.4), dbSNP rs1303977643, ClinGen allele CA388695247.